The following is an entry in ClinVar:

NM_000212.3(ITGB3):c.1984C>T (p.Arg662Cys)

Gene: ITGB3 (integrin subunit beta 3; plus strand). Cytogenetic location: 17q21.32.
Variant type: single nucleotide variant.
Coding change: c.1984C>T on transcript NM_000212.3 (MANE Select); coding-DNA position 1984, C replaced by T.
Protein change: p.Arg662Cys; replaces arginine 662 with cysteine.
Molecular consequence: missense variant.
Genome position (GRCh38, 1-based): chr17:47,300,548, C>T. VCF-style: chr17-47300548-C-T. GRCh37 (hg19) VCF-style: chr17-45377914-C-T.
Other names: short protein forms R662C.
Identifiers: ClinVar variation 889518 (VCV000889518.7), dbSNP rs151219882, ClinGen allele CA8623411.

ClinVar aggregate classification (germline): Uncertain significance. Review status: criteria provided, multiple submitters, no conflicts (2 of 4 stars). 3 submissions from 3 submitters: Uncertain significance (3). Last evaluated 2026-01-20.

Conditions:
Glanzmann thrombasthenia. Also called: PLATELET GLYCOPROTEIN IIb-IIIa DEFICIENCY; BLEEDING DISORDER, PLATELET-TYPE, 2; THROMBASTHENIA OF GLANZMANN AND NAEGELI; Thrombasthenia; Glanzmann's thrombasthenia. Identifiers: Orphanet 849, MedGen C0040015, MONDO:0100326.

Allele frequency attached by ClinVar (database versions not stated): TOPMed 0.00006; gnomAD exomes 0.00010; 1000 Genomes Project 30x 0.00016; 1000 Genomes Project 0.00020.
gnomAD v4.1: 158 of 1,614,034 alleles (0.0098%); highest among the groups gnomAD compares: Non-Finnish European, 0.013%; no homozygotes.

Submissions (3):

Labcorp Genetics (formerly Invitae), Labcorp
Classification: Uncertain significance. Last evaluated: 2026-01-20. Review status: criteria provided, single submitter. Criteria: Invitae Variant Classification Sherloc (09022015). Collection method: clinical testing. Allele origin: germline.
Comment: This sequence change replaces arginine, which is basic and polar, with cysteine, which is neutral and slightly polar, at codon 662 of the ITGB3 protein (p.Arg662Cys). This variant is present in population databases (rs151219882, gnomAD 0.008%). This missense change has been observed in individual(s) with neonatal alloimmune thrombocytopenia (PMID: 8132570). This variant is also known as Arg636Cys. ClinVar contains an entry for this variant (Variation ID: 889518). Invitae Evidence Modeling of protein sequence and biophysical properties (such as structural, functional, and spatial information, amino acid conservation, physicochemical variation, residue mobility, and thermodynamic stability) indicates that this missense variant is expected to disrupt ITGB3 protein function with a positive predictive value of 95%. Experimental studies are conflicting or provide insufficient evidence to determine the effect of this variant on ITGB3 function (PMID: 8132570). In summary, the available evidence is currently insufficient to determine the role of this variant in disease. Therefore, it has been classified as a Variant of Uncertain Significance.

Women's Health and Genetics/Laboratory Corporation of America, LabCorp
Classification: Uncertain significance. Last evaluated: 2023-06-30. Review status: criteria provided, single submitter. Criteria: LabCorp Variant Classification Summary - May 2015. Collection method: clinical testing. Allele origin: germline.
Comment: Variant summary: ITGB3 c.1984C>T (p.Arg662Cys) results in a non-conservative amino acid change located in the Integrin beta subunit, tail (IPR012896) of the encoded protein sequence. Five of five in-silico tools predict a damaging effect of the variant on protein function. The variant allele was found at a frequency of 4.4e-05 in 251360 control chromosomes (gnomAD). c.1984C>T has been reported in the literature in heterozygous individuals who were positive for the Sr-a alloantigen, which was originally described in a case of alloimmune thrombocytopenia (also called HPA-8w; Santoso_1994, Metcalfe_2003). These reports do not provide unequivocal conclusions about association of the variant with Glanzmann Thrombasthenia 2. At least one publication reports experimental evidence evaluating an impact on protein function, finding that the recombinant protein with the variant reacted with anti-Sr-a antibodies, but did not show disruption in cell surface expression or in adhesive function of the protein complex (Santoso_1994). The following publications have been ascertained in the context of this evaluation (PMID: 8132570, 14516468). One submitter has cited a clinical-significance assessment for this variant to ClinVar after 2014 and has classified the variant as uncertain significance. Based on the evidence outlined above, the variant was classified as uncertain significance.

Illumina Laboratory Services, Illumina
Classification: Uncertain significance for Glanzmann thrombasthenia 1. Last evaluated: 2017-11-21. Review status: criteria provided, single submitter. Criteria: ICSL Variant Classification Criteria 13 December 2019. Collection method: clinical testing. Allele origin: germline.
Comment: This variant was observed as part of a predisposition screen in an ostensibly healthy population. A literature search was performed for the gene, cDNA change, and amino acid change (where applicable). Publications were found based on this search. However, the evidence from the literature, in combination with allele frequency data from public databases where available, was not sufficient to rule this variant in or out of causing disease. Therefore, this variant is classified as a variant of unknown significance.

Literature cited by the submitters: PubMed 8132570 (cited by 3 submitters); PubMed 14516468 (cited by Women's Health and Genetics/Laboratory Corporation of America, LabCorp and Illumina Laboratory Services, Illumina); PubMed 21658138 (cited by Illumina Laboratory Services, Illumina); PubMed 20804530 (cited by Illumina Laboratory Services, Illumina); PubMed 25827233 (cited by Illumina Laboratory Services, Illumina); PubMed 24685245 (cited by Illumina Laboratory Services, Illumina).